The following is an entry in ClinVar:

NM_000260.4(MYO7A):c.1847G>A (p.Arg616Gln)

Gene: MYO7A (myosin VIIA; plus strand). Cytogenetic location: 11q13.5.
Variant type: single nucleotide variant.
Coding change: c.1847G>A on transcript NM_000260.4 (MANE Select); coding-DNA position 1847, G replaced by A.
Protein change: p.Arg616Gln; replaces arginine 616 with glutamine.
Molecular consequence: missense variant.
Genome position (GRCh38, 1-based): chr11:77,172,797, G>A. VCF-style: chr11-77172797-G-A. GRCh37 (hg19) VCF-style: chr11-76883843-G-A.
Other names: c.1847G>A, p.Arg616Gln (NM_001127180.2); c.1814G>A, p.Arg605Gln (NM_001369365.1); short protein forms R605Q, R616Q.
Identifiers: ClinVar variation 1028643 (VCV001028643.5), dbSNP rs782410686, ClinGen allele CA6197626.

ClinVar aggregate classification (germline): Conflicting classifications of pathogenicity. Review status: criteria provided, conflicting classifications (1 of 4 stars). 2 submissions from 2 submitters: Uncertain significance (1); Likely benign (1). Last evaluated 2024-02-20.

Conditions:
Autosomal recessive nonsyndromic hearing loss 2. Also called: NEUROSENSORY NONSYNDROMIC RECESSIVE DEAFNESS 2; DEAFNESS, AUTOSOMAL RECESSIVE 2. Identifiers: Orphanet 90636, MedGen C1838701, MONDO:0010807, OMIM 600060.

Allele frequency attached by ClinVar (database versions not stated): gnomAD 0.00002; TOPMed 0.00003; gnomAD exomes 0.00005; ExAC 0.00009.

Submissions (2):

Labcorp Genetics (formerly Invitae), Labcorp
Classification: Likely benign. Last evaluated: 2024-02-20. Review status: criteria provided, single submitter. Criteria: Invitae Variant Classification Sherloc (09022015). Collection method: clinical testing. Allele origin: germline.

Baylor Genetics
Classification: Uncertain significance for Autosomal recessive nonsyndromic hearing loss 2. Last evaluated: 2020-09-17. Review status: criteria provided, single submitter. Criteria: ACMG Guidelines, 2015. Collection method: clinical testing. Allele origin: unknown. Affected: yes.
Comment: This variant was determined to be of uncertain significance according to ACMG Guidelines, 2015 [PMID:25741868].